The following is an entry in ClinVar:

NM_001846.4(COL4A2):c.5075C>T (p.Thr1692Met)

Gene: COL4A2 (collagen type IV alpha 2 chain; plus strand). Cytogenetic location: 13q34.
Variant type: single nucleotide variant.
Coding change: c.5075C>T on transcript NM_001846.4 (MANE Select); coding-DNA position 5075, C replaced by T.
Protein change: p.Thr1692Met; replaces threonine 1692 with methionine.
Molecular consequence: missense variant.
Genome position (GRCh38, 1-based): chr13:110,512,127, C>T. VCF-style: chr13-110512127-C-T. GRCh37 (hg19) VCF-style: chr13-111164474-C-T.
Other names: short protein forms T1692M.
Identifiers: ClinVar variation 1469946 (VCV001469946.7), dbSNP rs759315132, ClinGen allele CA7050767.

ClinVar aggregate classification (germline): Uncertain significance. Review status: criteria provided, multiple submitters, no conflicts (2 of 4 stars). 2 submissions from 2 submitters: Uncertain significance (2). Last evaluated 2024-02-24.

Allele frequency attached by ClinVar (database versions not stated): gnomAD 0.00002.
gnomAD v4.1: 6 of 1,613,374 alleles (0.00037%); highest among the groups gnomAD compares: African/African-American, 0.0027%; no homozygotes.

Submissions (2):

Labcorp Genetics (formerly Invitae), Labcorp
Classification: Uncertain significance. Last evaluated: 2024-02-24. Review status: criteria provided, single submitter. Criteria: Invitae Variant Classification Sherloc (09022015). Collection method: clinical testing. Allele origin: germline.
Comment: This sequence change replaces threonine with methionine at codon 1692 of the COL4A2 protein (p.Thr1692Met). The threonine residue is highly conserved and there is a moderate physicochemical difference between threonine and methionine. This variant is present in population databases (rs759315132, gnomAD 0.003%). This variant has not been reported in the literature in individuals affected with COL4A2-related conditions. ClinVar contains an entry for this variant (Variation ID: 1469946). Advanced modeling of protein sequence and biophysical properties (such as structural, functional, and spatial information, amino acid conservation, physicochemical variation, residue mobility, and thermodynamic stability) performed at Invitae indicates that this missense variant is not expected to disrupt COL4A2 protein function with a negative predictive value of 80%. In summary, the available evidence is currently insufficient to determine the role of this variant in disease. Therefore, it has been classified as a Variant of Uncertain Significance.

Blueprint Genetics
Classification: Uncertain significance. Last evaluated: 2022-11-22. Review status: criteria provided, single submitter. Criteria: ACMG Guidelines, 2015. Collection method: clinical testing. Allele origin: germline.